The following is an entry in ClinVar:

ClinVar aggregate classification (germline): Uncertain significance (1 of 4 stars; one submission).

Conditions:
Ataxia-telangiectasia syndrome (AT). Also called: Ataxia-telangiectasia, complementation group E; ATAXIA-TELANGIECTASIA, COMPLEMENTATION GROUP A; ATAXIA-TELANGIECTASIA, FRESNO VARIANT; Ataxia-telangiectasia; LOUIS-BAR SYNDROME; Ataxia-telangiectasia, complementation group D. Identifiers: Orphanet 100, MedGen C0004135, MONDO:0008840, OMIM 208900.

Submission:

Labcorp Genetics (formerly Invitae), Labcorp
Classification: Uncertain significance for Ataxia-telangiectasia syndrome. Last evaluated: 2025-08-24. Review status: criteria provided, single submitter. Criteria: Invitae Variant Classification Sherloc (09022015). Collection method: clinical testing. Allele origin: germline.
Comment: This sequence change replaces arginine, which is basic and polar, with isoleucine, which is neutral and non-polar, at codon 309 of the ATM protein (p.Arg309Ile). This variant is not present in population databases (gnomAD no frequency). This variant has not been reported in the literature in individuals affected with ATM-related conditions. ClinVar contains an entry for this variant (Variation ID: 2805523). Invitae Evidence Modeling of protein sequence and biophysical properties (such as structural, functional, and spatial information, amino acid conservation, physicochemical variation, residue mobility, and thermodynamic stability) indicates that this missense variant is not expected to disrupt ATM protein function with a negative predictive value of 95%. In summary, the available evidence is currently insufficient to determine the role of this variant in disease. Therefore, it has been classified as a Variant of Uncertain Significance.

NM_000051.4(ATM):c.926G>T (p.Arg309Ile)

Gene: ATM (ATM serine/threonine kinase; plus strand). Cytogenetic location: 11q22.3.
Variant type: single nucleotide variant.
Coding change: c.926G>T on transcript NM_000051.4 (MANE Select); coding-DNA position 926, G replaced by T.
Protein change: p.Arg309Ile; replaces arginine 309 with isoleucine.
Molecular consequence: missense variant.
Genome position (GRCh38, 1-based): chr11:108,246,988, G>T. VCF-style: chr11-108246988-G-T. GRCh37 (hg19) VCF-style: chr11-108117715-G-T.
Other names: c.926G>T, p.Arg309Ile (NM_001351834.2); short protein forms R309I.
Identifiers: ClinVar variation 2805523 (VCV002805523.3), dbSNP rs2079878883, ClinGen allele CA382530648.